The following is an entry in ClinVar:

ClinVar aggregate classification (germline): Conflicting classifications of pathogenicity. Review status: criteria provided, conflicting classifications (1 of 4 stars). 5 submissions from 5 submitters: Uncertain significance (1); Likely benign (3). 1 of the submissions does not count toward it. Last evaluated 2025-09-13.

Conditions:
Cardiovascular phenotype. Identifiers: MedGen CN230736.
ABCG8-related disorder. Also called: ABCG8-related condition.

Allele frequency attached by ClinVar (database versions not stated): ExAC 0.00004; gnomAD 0.00007 and 0.00008; ESP Exome Variant Server 0.00008; TOPMed 0.00009.
gnomAD v4.1: 62 of 1,613,694 alleles (0.0038%); highest among the groups gnomAD compares: East Asian, 0.027%; no homozygotes.

Submissions (5):

Labcorp Genetics (formerly Invitae), Labcorp
Classification: Likely benign. Last evaluated: 2025-09-13. Review status: criteria provided, single submitter. Criteria: Invitae Variant Classification Sherloc (09022015). Collection method: clinical testing. Allele origin: germline.

Blueprint Genetics
Classification: Likely benign. Last evaluated: 2024-09-12. Review status: criteria provided, single submitter. Criteria: ACMG Guidelines, 2015. Collection method: clinical testing. Allele origin: germline.

Ambry Genetics
Classification: Likely benign for Cardiovascular phenotype. Last evaluated: 2019-10-05. Review status: criteria provided, single submitter. Criteria: Ambry Variant Classification Scheme 2023. Collection method: clinical testing. Allele origin: germline.

Eurofins Ntd Llc (ga)
Classification: Uncertain significance. Last evaluated: 2018-03-27. Review status: criteria provided, single submitter. Criteria: EGL ClinVar v180209 classification definitions. Collection method: clinical testing. Allele origin: germline. Observed: 2 variant alleles, 2 heterozygotes.

PreventionGenetics, part of Exact Sciences
Classification: Likely benign for ABCG8-related condition. Last evaluated: 2022-12-07. Review status: no assertion criteria provided. Collection method: clinical testing. Allele origin: germline. Not counted in ClinVar's aggregate classification.
Comment: This variant is classified as likely benign based on ACMG/AMP sequence variant interpretation guidelines (Richards et al. 2015 PMID: 25741868, with internal and published modifications).

NM_022437.3(ABCG8):c.1200G>A (p.Thr400=)

Gene: ABCG8 (ATP binding cassette subfamily G member 8; plus strand). Cytogenetic location: 2p21.
Variant type: single nucleotide variant.
Coding change: c.1200G>A on transcript NM_022437.3 (MANE Select); coding-DNA position 1200, G replaced by A.
Protein change: p.Thr400=; no amino-acid change (threonine 400 retained).
Molecular consequence: synonymous variant.
Genome position (GRCh38, 1-based): chr2:43,872,295, G>A. VCF-style: chr2-43872295-G-A. GRCh37 (hg19) VCF-style: chr2-44099434-G-A.
Other names: c.1197G>A, p.Thr399= (NM_001357321.2).
Identifiers: ClinVar variation 596656 (VCV000596656.19), dbSNP rs369131115, ClinGen allele CA1637337.
Genomic context (GRCh38, chr2:43,872,295, plus strand): 5'-ACTAGACACCAACTGCCTCCCGAGTCCTACGAAGATGCCTGGGGCGGTGCAGCAGTTTAC[G>A]ACGCTGATCCGGTAATTATCTGTCATTTTATTACTGAACCCGCCCCCCTGCCCAAGTCTT-3'
Protein context (NP_071882.1, residues 390-410): TKMPGAVQQF[Thr400=]TLIRRQISND